The following is an entry in ClinVar:

ClinVar aggregate classification (germline): Uncertain significance (1 of 4 stars; one submission).

Conditions:
Neu-Laxova syndrome 2. Identifiers: Orphanet 2671, Orphanet 583602, MedGen C4015019, MONDO:0014466, OMIM 616038.

Allele frequency attached by ClinVar (database versions not stated): TOPMed below 0.00001.
gnomAD v4.1: 12 of 1,613,892 alleles (0.00074%); highest among the groups gnomAD compares: East Asian, 0.0022%; no homozygotes.

Submission:

Labcorp Genetics (formerly Invitae), Labcorp
Classification: Uncertain significance for Neu-Laxova syndrome 2. Last evaluated: 2024-11-05. Review status: criteria provided, single submitter. Criteria: Invitae Variant Classification Sherloc (09022015). Collection method: clinical testing. Allele origin: germline.
Comment: This sequence change replaces valine, which is neutral and non-polar, with methionine, which is neutral and non-polar, at codon 209 of the PSAT1 protein (p.Val209Met). This variant is not present in population databases (gnomAD no frequency). This variant has not been reported in the literature in individuals affected with PSAT1-related conditions. ClinVar contains an entry for this variant (Variation ID: 2088998). Invitae Evidence Modeling of protein sequence and biophysical properties (such as structural, functional, and spatial information, amino acid conservation, physicochemical variation, residue mobility, and thermodynamic stability) indicates that this missense variant is not expected to disrupt PSAT1 protein function with a negative predictive value of 80%. In summary, the available evidence is currently insufficient to determine the role of this variant in disease. Therefore, it has been classified as a Variant of Uncertain Significance.

NM_058179.4(PSAT1):c.625G>A (p.Val209Met)

Gene: PSAT1 (phosphoserine aminotransferase 1; plus strand). Cytogenetic location: 9q21.2.
Variant type: single nucleotide variant.
Coding change: c.625G>A on transcript NM_058179.4 (MANE Select); coding-DNA position 625, G replaced by A.
Protein change: p.Val209Met; replaces valine 209 with methionine.
Molecular consequence: missense variant.
Genome position (GRCh38, 1-based): chr9:78,308,468, G>A. VCF-style: chr9-78308468-G-A. GRCh37 (hg19) VCF-style: chr9-80923384-G-A.
Other names: c.625G>A, p.Val209Met (NM_021154.5); short protein forms V209M.
Identifiers: ClinVar variation 2088998 (VCV002088998.2), dbSNP rs967508739, ClinGen allele CA194444142.